The following is an entry in ClinVar:

ClinVar aggregate classification (germline): Uncertain significance (1 of 4 stars; one submission).

Conditions:
Hajdu-Cheney syndrome (HJCYS). Also called: Acroosteolysis dominant type; SERPENTINE FIBULA-POLYCYSTIC KIDNEY SYNDROME; ACROOSTEOLYSIS WITH OSTEOPOROSIS AND CHANGES IN SKULL AND MANDIBLE. Identifiers: Orphanet 955, MedGen C0917715, MONDO:0007057, OMIM 102500.

Allele frequency attached by ClinVar (database versions not stated): ExAC 0.00001.
gnomAD v4.1: 2 of 1,614,040 alleles (0.00012%); highest among the groups gnomAD compares: South Asian, 0.0011%; no homozygotes.

Submission:

Labcorp Genetics (formerly Invitae), Labcorp
Classification: Uncertain significance for Hajdu-Cheney syndrome. Last evaluated: 2022-05-16. Review status: criteria provided, single submitter. Criteria: Invitae Variant Classification Sherloc (09022015). Collection method: clinical testing. Allele origin: germline.
Comment: In summary, the available evidence is currently insufficient to determine the role of this variant in disease. Therefore, it has been classified as a Variant of Uncertain Significance. Advanced modeling of protein sequence and biophysical properties (such as structural, functional, and spatial information, amino acid conservation, physicochemical variation, residue mobility, and thermodynamic stability) performed at Invitae indicates that this missense variant is not expected to disrupt NOTCH2 protein function. This variant has not been reported in the literature in individuals affected with NOTCH2-related conditions. This variant is present in population databases (rs766636607, gnomAD 0.003%). This sequence change replaces alanine, which is neutral and non-polar, with valine, which is neutral and non-polar, at codon 2366 of the NOTCH2 protein (p.Ala2366Val).

NM_024408.4(NOTCH2):c.7097C>T (p.Ala2366Val)

Gene: NOTCH2 (notch receptor 2; minus strand). Cytogenetic location: 1p12.
Variant type: single nucleotide variant.
Coding change: c.7097C>T on transcript NM_024408.4 (MANE Select); coding-DNA position 7097, C replaced by T.
Protein change: p.Ala2366Val; replaces alanine 2366 with valine.
Molecular consequence: missense variant.
Genome position (GRCh38, 1-based): chr1:119,915,625, G>A on the plus strand (C>T on the coding strand, the complement: NOTCH2 is on the minus strand). VCF-style: chr1-119915625-G-A. GRCh37 (hg19) VCF-style: chr1-120458248-G-A.
Other names: short protein forms A2366V.
Identifiers: ClinVar variation 2130647 (VCV002130647.4), dbSNP rs766636607, ClinGen allele CA1039320.